The following is an entry in ClinVar:

NM_014625.4(NPHS2):c.738+2T>C

Gene: NPHS2 (NPHS2 stomatin family member, podocin; minus strand). Cytogenetic location: 1q25.2.
Variant type: single nucleotide variant.
Coding change: c.738+2T>C on transcript NM_014625.4 (MANE Select); the canonical splice donor site of the intron after coding-DNA position 738, T replaced by C.
Molecular consequence: splice donor variant. On other transcripts: intron variant (1).
Genome position (GRCh38, 1-based): chr1:179,557,025, A>G on the plus strand (T>C on the coding strand, the complement: NPHS2 is on the minus strand). VCF-style: chr1-179557025-A-G. GRCh37 (hg19) VCF-style: chr1-179526160-A-G.
Other names: c.535-2494T>C (NM_001297575.2).
Identifiers: ClinVar variation 553546 (VCV000553546.14), dbSNP rs1212702104, ClinGen allele CA343567349.

ClinVar aggregate classification (germline): Pathogenic/Likely pathogenic. Review status: criteria provided, multiple submitters, no conflicts (2 of 4 stars). 5 submissions from 5 submitters: Pathogenic (2); Likely pathogenic (2). 1 of the submissions does not count toward it. Last evaluated 2023-11-17.

Conditions:
Nephrotic syndrome, type 2 (NPHS2). Also called: NEPHROTIC SYNDROME, STEROID-RESISTANT, AUTOSOMAL RECESSIVE. Identifiers: Orphanet 656, MedGen C1868672, MONDO:0010974, OMIM 600995.

Allele frequency attached by ClinVar (database versions not stated): TOPMed below 0.00001.

Submissions (5):

Labcorp Genetics (formerly Invitae), Labcorp
Classification: Pathogenic. Last evaluated: 2023-11-17. Review status: criteria provided, single submitter. Criteria: Invitae Variant Classification Sherloc (09022015). Collection method: clinical testing. Allele origin: germline.
Comment: This sequence change affects a donor splice site in intron 5 of the NPHS2 gene. It is expected to disrupt RNA splicing. Variants that disrupt the donor or acceptor splice site typically lead to a loss of protein function (PMID: 16199547), and loss-of-function variants in NPHS2 are known to be pathogenic (PMID: 10742096, 14701729, 15253708, 23595123). This variant is not present in population databases (gnomAD no frequency). Disruption of this splice site has been observed in individual(s) with steroid-resistant nephrotic syndrome (PMID: 28204945). In at least one individual the data is consistent with being in trans (on the opposite chromosome) from a pathogenic variant. ClinVar contains an entry for this variant (Variation ID: 553546). Algorithms developed to predict the effect of sequence changes on RNA splicing suggest that this variant may disrupt the consensus splice site. For these reasons, this variant has been classified as Pathogenic.

Baylor Genetics
Classification: Pathogenic for Nephrotic syndrome, type 2. Last evaluated: 2023-09-02. Review status: criteria provided, single submitter. Criteria: ACMG Guidelines, 2015. Collection method: clinical testing. Allele origin: unknown.

Genome-Nilou Lab
Classification: Likely pathogenic for Nephrotic syndrome, type 2. Last evaluated: 2023-04-11. Review status: criteria provided, single submitter. Criteria: ACMG Guidelines, 2015. Collection method: clinical testing. Allele origin: germline. Affected: no.

Juno Genomics, Hangzhou Juno Genomics, Inc
Classification: Likely pathogenic for Nephrotic syndrome, type 2. Review status: criteria provided, single submitter. Criteria: ACMG Guidelines, 2015. Collection method: clinical testing. Allele origin: germline.
Comment: Absent from controls (or at extremely low frequency if recessive) in Genome Aggregation Database.;Null variant in a gene where loss of function (LOF) is a known mechanism of disease.;For recessive disorders, detected in trans with a pathogenic variant.

Counsyl
Classification: Likely pathogenic for Nephrotic syndrome, type 2. Last evaluated: 2017-08-29. Review status: no assertion criteria provided. Collection method: clinical testing. Allele origin: unknown. Not counted in ClinVar's aggregate classification.

Literature cited by the submitters: PubMed 16199547 (cited by Labcorp Genetics (formerly Invitae), Labcorp); PubMed 10742096 (cited by Labcorp Genetics (formerly Invitae), Labcorp); PubMed 14701729 (cited by Labcorp Genetics (formerly Invitae), Labcorp); PubMed 15253708 (cited by Labcorp Genetics (formerly Invitae), Labcorp); PubMed 23595123 (cited by Labcorp Genetics (formerly Invitae), Labcorp); PubMed 28204945 (cited by Labcorp Genetics (formerly Invitae), Labcorp).